The following is an entry in ClinVar:

ClinVar aggregate classification (germline): Uncertain significance. Review status: criteria provided, multiple submitters, no conflicts (2 of 4 stars). 2 submissions from 2 submitters: Uncertain significance (2). Last evaluated 2025-09-11.

Conditions:
Inborn genetic diseases. Identifiers: MedGen C0950123, MeSH D030342.

Allele frequency attached by ClinVar (database versions not stated): ExAC 0.00001; gnomAD 0.00001; gnomAD exomes 0.00001; TOPMed 0.00003.

Submissions (2):

Ambry Genetics
Classification: Uncertain significance for Inborn genetic diseases. Last evaluated: 2025-09-11. Review status: criteria provided, single submitter. Criteria: Ambry Variant Classification Scheme 2023. Collection method: clinical testing. Allele origin: germline.

Labcorp Genetics (formerly Invitae), Labcorp
Classification: Uncertain significance. Last evaluated: 2022-09-01. Review status: criteria provided, single submitter. Criteria: Invitae Variant Classification Sherloc (09022015). Collection method: clinical testing. Allele origin: germline.
Comment: This sequence change replaces leucine, which is neutral and non-polar, with proline, which is neutral and non-polar, at codon 752 of the TUBGCP6 protein (p.Leu752Pro). This variant is present in population databases (rs777487464, gnomAD 0.003%). This variant has not been reported in the literature in individuals affected with TUBGCP6-related conditions. ClinVar contains an entry for this variant (Variation ID: 1464230). Algorithms developed to predict the effect of missense changes on protein structure and function are either unavailable or do not agree on the potential impact of this missense change (SIFT: "Deleterious"; PolyPhen-2: "Probably Damaging"; Align-GVGD: "Class C0"). In summary, the available evidence is currently insufficient to determine the role of this variant in disease. Therefore, it has been classified as a Variant of Uncertain Significance.

NM_020461.4(TUBGCP6):c.2255T>C (p.Leu752Pro)

Gene: TUBGCP6 (tubulin gamma complex component 6; minus strand). Cytogenetic location: 22q13.33.
Variant type: single nucleotide variant.
Coding change: c.2255T>C on transcript NM_020461.4 (MANE Select); coding-DNA position 2255, T replaced by C.
Protein change: p.Leu752Pro; replaces leucine 752 with proline.
Molecular consequence: missense variant.
Genome position (GRCh38, 1-based): chr22:50,224,156, A>G on the plus strand (T>C on the coding strand, the complement: TUBGCP6 is on the minus strand). VCF-style: chr22-50224156-A-G. GRCh37 (hg19) VCF-style: chr22-50662585-A-G.
Other names: c.2255T>C (NM_020461.3); short protein forms L752P.
Identifiers: ClinVar variation 1464230 (VCV001464230.6), dbSNP rs777487464, ClinGen allele CA10308303.